The following is an entry in ClinVar:

NC_000007.13:g.(?_151680051)_(151856177_?)dup

Genes: GALNT11 (polypeptide N-acetylgalactosaminyltransferase 11; plus strand), GALNTL5 (polypeptide N-acetylgalactosaminyltransferase like 5; plus strand), KMT2C (lysine methyltransferase 2C; minus strand). Cytogenetic location: 7q36.1.
Variant type: Duplication.
Identifiers: ClinVar variation 2427455 (VCV002427455.3).

ClinVar aggregate classification (germline): Uncertain significance (1 of 4 stars; one submission).

Submission:

Labcorp Genetics (formerly Invitae), Labcorp
Classification: Uncertain significance. Last evaluated: 2022-10-17. Review status: criteria provided, single submitter. Criteria: Invitae Variant Classification Sherloc (09022015). Collection method: clinical testing. Allele origin: germline.
Comment: This variant results in a copy number gain of the genomic region encompassing exon(s) 44-59 of the KMT2C gene. This region includes the termination codon of the gene. This copy number gain extends beyond the assayed region for this gene and therefore may encompass additional genes. As the precise location of this event is unknown, it may be in tandem or it may be located elsewhere in the genome. In summary, the available evidence is currently insufficient to determine the role of this variant in disease. Therefore, it has been classified as a Variant of Uncertain Significance. This variant has not been reported in the literature in individuals affected with KMT2C-related conditions.